The following is an entry in ClinVar:

NM_000444.6(PHEX):c.2071-94_*522del

Genes: PHEX (phosphate regulating endopeptidase X-linked; plus strand), PTCHD1-AS (PTCHD1 and PHEX antisense RNA; minus strand). Cytogenetic location: Xp22.11.
Variant type: Deletion.
Coding change: c.2071-94_*522del on transcript NM_000444.6 (MANE Select); 94 bases into the intron before coding-DNA position 2071 through 522 bases downstream of the stop codon, 3,237 bases deleted.
Molecular consequence: splice acceptor variant, splice donor variant.
Genome position (GRCh38, 1-based): chrX:22,245,239-22,248,475, 3,237 bases deleted. GRCh37 (hg19): chrX:22,263,356-22,266,592.
Other names: c.2071-2612_*607del (NM_001282754.2).
Identifiers: ClinVar variation 4820234 (VCV004820234.1).

ClinVar aggregate classification (germline): Pathogenic (1 of 4 stars; one submission).

Conditions:
Familial X-linked hypophosphatemic vitamin D refractory rickets (XLHRD). Also called: X-Linked Hypophosphatemia; HYPOPHOSPHATEMIC VITAMIN D-RESISTANT RICKETS; Hypophosphatemic Rickets, X-Linked Dominant; Hypophosphatemia, vitamin D-resistant rickets; Vitamin D-resistant rickets, X-linked. Identifiers: Orphanet 89936, MedGen C0733682, MONDO:0010619, OMIM 307800.

Submission:

Mendelics
Classification: Pathogenic for Familial X-linked hypophosphatemic vitamin D refractory rickets. Last evaluated: 2026-03-28. Review status: criteria provided, single submitter. Criteria: ACMG Guidelines, 2015. Collection method: clinical testing. Allele origin: unknown.
Comment: Deletion of gene PHEX.